The following is an entry in ClinVar:

ClinVar aggregate classification (germline): Benign/Likely benign. Review status: criteria provided, multiple submitters, no conflicts (2 of 4 stars). 3 submissions from 3 submitters: Benign (1); Likely benign (2). Last evaluated 2026-01-27.

Conditions:
Pyruvate carboxylase deficiency. Also called: Pyruvate Carboxylase Deficiency Disease; ATAXIA WITH LACTIC ACIDOSIS II; LEIGH NECROTIZING ENCEPHALOPATHY DUE TO PYRUVATE CARBOXYLASE DEFICIENCY; LEIGH SYNDROME DUE TO PYRUVATE CARBOXYLASE DEFICIENCY; PC DEFICIENCY. Identifiers: Orphanet 3008, MedGen C0034341, MONDO:0009949, OMIM 266150.

Allele frequency attached by ClinVar (database versions not stated): ESP Exome Variant Server 0.00146; gnomAD 0.00150 and 0.00153; TOPMed 0.00160; 1000 Genomes Project 0.00300; 1000 Genomes Project 30x 0.00312.
gnomAD v4.1: 475 of 1,611,800 alleles (0.029%); highest among the groups gnomAD compares: African/African-American, 0.53%; no homozygotes.

Submissions (3):

Labcorp Genetics (formerly Invitae), Labcorp
Classification: Benign for Pyruvate carboxylase deficiency. Last evaluated: 2026-01-27. Review status: criteria provided, single submitter. Criteria: Invitae Variant Classification Sherloc (09022015). Collection method: clinical testing. Allele origin: germline.

Blueprint Genetics
Classification: Likely benign. Last evaluated: 2024-07-30. Review status: criteria provided, single submitter. Criteria: ACMG Guidelines, 2015. Collection method: clinical testing. Allele origin: germline.

GeneDx
Classification: Likely benign. Last evaluated: 2016-08-08. Review status: criteria provided, single submitter. Criteria: GeneDx Variant Classification (06012015). Collection method: clinical testing. Allele origin: germline. Affected: yes.
Comment: This variant is considered likely benign or benign based on one or more of the following criteria: it is a conservative change, it occurs at a poorly conserved position in the protein, it is predicted to be benign by multiple in silico algorithms, and/or has population frequency not consistent with disease.

NM_001040716.2(PC):c.2223+19C>T

Gene: PC (pyruvate carboxylase; minus strand). Cytogenetic location: 11q13.2.
Variant type: single nucleotide variant.
Coding change: c.2223+19C>T on transcript NM_001040716.2 (MANE Select); 19 bases into the intron after coding-DNA position 2223, C replaced by T.
Molecular consequence: intron variant.
Genome position (GRCh38, 1-based): chr11:66,851,021, G>A on the plus strand (C>T on the coding strand, the complement: PC is on the minus strand). VCF-style: chr11-66851021-G-A. GRCh37 (hg19) VCF-style: chr11-66618492-G-A.
Other names: c.2223+19C>T (NM_000920.4, NM_022172.3).
Identifiers: ClinVar variation 378332 (VCV000378332.11), dbSNP rs45457699, ClinGen allele CA6131149.